The following is an entry in ClinVar:

ClinVar aggregate classification (germline): Uncertain significance (1 of 4 stars; one submission).

Conditions:
Dilated cardiomyopathy 1JJ (CMD1JJ). Identifiers: Orphanet 154, MedGen C3808935, MONDO:0014095, OMIM 615235.

gnomAD v4.1: 2 of 1,613,594 alleles (0.00012%); highest among the groups gnomAD compares: East Asian, 0.0022%; no homozygotes.

Submission:

Labcorp Genetics (formerly Invitae), Labcorp
Classification: Uncertain significance for Dilated cardiomyopathy 1JJ. Last evaluated: 2025-12-08. Review status: criteria provided, single submitter. Criteria: Invitae Variant Classification Sherloc (09022015). Collection method: clinical testing. Allele origin: germline.
Comment: This sequence change replaces lysine, which is basic and polar, with glutamic acid, which is acidic and polar, at codon 1427 of the LAMA4 protein (p.Lys1427Glu). This variant is not present in population databases (gnomAD no frequency). This missense change has been observed in individual(s) with cardiomyopathy (PMID: 30165862). ClinVar contains an entry for this variant (Variation ID: 3696758). An algorithm developed to predict the effect of missense changes on protein structure and function (PolyPhen-2) suggests that this variant is likely to be disruptive. In summary, the available evidence is currently insufficient to determine the role of this variant in disease. Therefore, it has been classified as a Variant of Uncertain Significance.

Literature cited by the submitters: PubMed 30165862.

NM_001105206.3(LAMA4):c.4300A>G (p.Lys1434Glu)

Gene: LAMA4 (laminin subunit alpha 4; minus strand). Cytogenetic location: 6q21.
Variant type: single nucleotide variant.
Coding change: c.4300A>G on transcript NM_001105206.3 (MANE Select); coding-DNA position 4300, A replaced by G.
Protein change: p.Lys1434Glu; replaces lysine 1434 with glutamic acid.
Molecular consequence: missense variant.
Genome position (GRCh38, 1-based): chr6:112,122,189, T>C on the plus strand (A>G on the coding strand, the complement: LAMA4 is on the minus strand). VCF-style: chr6-112122189-T-C. GRCh37 (hg19) VCF-style: chr6-112443392-T-C.
Other names: c.4279A>G, p.Lys1427Glu (NM_001105207.3, NM_002290.5); short protein forms K1427E, K1434E.
Identifiers: ClinVar variation 3696758 (VCV003696758.2).